The following is an entry in ClinVar:

ClinVar aggregate classification (germline): Conflicting classifications of pathogenicity. Review status: criteria provided, conflicting classifications (1 of 4 stars). 3 submissions from 3 submitters: Uncertain significance (2); Likely benign (1). Last evaluated 2024-03-29.

Conditions:
Hereditary cancer-predisposing syndrome. Also called: Hereditary neoplastic syndrome; Tumor predisposition; Neoplastic Syndromes, Hereditary; Hereditary Cancer Syndrome. Identifiers: Orphanet 140162, MedGen C0027672, MeSH D009386, MONDO:0015356.

Allele frequency attached by ClinVar (database versions not stated): gnomAD exomes 0.00001; TOPMed 0.00001; gnomAD 0.00002.

Submissions (3):

Ambry Genetics
Classification: Likely benign for Hereditary cancer-predisposing syndrome. Last evaluated: 2024-03-29. Review status: criteria provided, single submitter. Criteria: Ambry Variant Classification Scheme 2023. Collection method: clinical testing. Allele origin: germline.

Labcorp Genetics (formerly Invitae), Labcorp
Classification: Uncertain significance. Last evaluated: 2024-03-26. Review status: criteria provided, single submitter. Criteria: Invitae Variant Classification Sherloc (09022015). Collection method: clinical testing. Allele origin: germline.
Comment: This sequence change replaces asparagine, which is neutral and polar, with serine, which is neutral and polar, at codon 161 of the XRCC2 protein (p.Asn161Ser). This variant is not present in population databases (gnomAD no frequency). This variant has not been reported in the literature in individuals affected with XRCC2-related conditions. ClinVar contains an entry for this variant (Variation ID: 420480). Advanced modeling of protein sequence and biophysical properties (such as structural, functional, and spatial information, amino acid conservation, physicochemical variation, residue mobility, and thermodynamic stability) performed at Invitae indicates that this missense variant is not expected to disrupt XRCC2 protein function with a negative predictive value of 80%. In summary, the available evidence is currently insufficient to determine the role of this variant in disease. Therefore, it has been classified as a Variant of Uncertain Significance.

GeneDx
Classification: Uncertain significance. Last evaluated: 2017-01-04. Review status: criteria provided, single submitter. Criteria: GeneDx Variant Classification (06012015). Collection method: clinical testing. Allele origin: germline. Affected: yes.
Comment: This variant is denoted XRCC2 c.482A>G at the cDNA level, p.Asn161Ser (N161S) at the protein level, and results in the change of an Asparagine to a Serine (AAT>AGT). This variant has not, to our knowledge, been published in the literature as a germline variant; however, it has been reported as a somatic variant in a rhabdomyosarcoma sample (Kohsaka 2014). XRCC2 Asn161Ser was not observed in approximately 6,500 individuals of European and African American ancestry in the NHLBI Exome Sequencing Project, suggesting it is not a common benign variant in these populations. Since Asparagine and Serine share similar properties, this is considered a conservative amino acid substitution. XRCC2 Asn161Ser occurs at a position where amino acids with properties similar to Asparagine are tolerated across species and is not located within a specific functional domain (O'Regan 2001, Miller 2004). In silico analyses are inconsistent regarding the effect this variant may have on protein structure and function. Based on currently available evidence, it is unclear whether XRCC2 Asn161Ser is a pathogenic or benign variant. We consider it to be a variant of uncertain significance.

NM_005431.2(XRCC2):c.482A>G (p.Asn161Ser)

Gene: XRCC2 (X-ray repair cross complementing 2; minus strand). Cytogenetic location: 7q36.1.
Variant type: single nucleotide variant.
Coding change: c.482A>G on transcript NM_005431.2 (MANE Select); coding-DNA position 482, A replaced by G.
Protein change: p.Asn161Ser; replaces asparagine 161 with serine.
Molecular consequence: missense variant.
Genome position (GRCh38, 1-based): chr7:152,649,003, T>C on the plus strand (A>G on the coding strand, the complement: XRCC2 is on the minus strand). VCF-style: chr7-152649003-T-C. GRCh37 (hg19) VCF-style: chr7-152346088-T-C.
Other names: short protein forms N161S.
Identifiers: ClinVar variation 420480 (VCV000420480.13), dbSNP rs1064794505, ClinGen allele CA16618431.